The following is an entry in ClinVar:

NM_000742.4(CHRNA2):c.370C>A (p.Pro124Thr)

Gene: CHRNA2 (cholinergic receptor nicotinic alpha 2 subunit; minus strand). Cytogenetic location: 8p21.2.
Variant type: single nucleotide variant.
Coding change: c.370C>A on transcript NM_000742.4 (MANE Select); coding-DNA position 370, C replaced by A.
Protein change: p.Pro124Thr; replaces proline 124 with threonine.
Molecular consequence: missense variant. On other transcripts: 5 prime UTR variant (4).
Genome position (GRCh38, 1-based): chr8:27,467,308, G>T on the plus strand (C>A on the coding strand, the complement: CHRNA2 is on the minus strand). VCF-style: chr8-27467308-G-T. GRCh37 (hg19) VCF-style: chr8-27324825-G-T.
Other names: c.325C>A, p.Pro109Thr (NM_001282455.2); c.-103C>A (NM_001347705.2, NM_001347706.2); c.-89C>A (NM_001347707.2); c.-92C>A (NM_001347708.2); short protein forms P109T, P124T.
Identifiers: ClinVar variation 2959016 (VCV002959016.3), dbSNP rs374195332, ClinGen allele CA4689683.

ClinVar aggregate classification (germline): Uncertain significance (1 of 4 stars; one submission).

Conditions:
Familial sleep-related hypermotor epilepsy. Also called: Autosomal Dominant Sleep-Related Hypermotor (Hyperkinetic) Epilepsy. Identifiers: Orphanet 98784, MedGen C3696898, MONDO:0000030.

Allele frequency attached by ClinVar (database versions not stated): gnomAD 0.00002; ExAC 0.00001; TOPMed 0.00002; ESP Exome Variant Server 0.00008.
gnomAD v4.1: 5 of 1,613,782 alleles (0.00031%); highest among the groups gnomAD compares: African/African-American, 0.0067%; no homozygotes.

Submission:

Labcorp Genetics (formerly Invitae), Labcorp
Classification: Uncertain significance. Last evaluated: 2025-10-28. Review status: criteria provided, single submitter. Criteria: Invitae Variant Classification Sherloc (09022015). Collection method: clinical testing. Allele origin: germline.
Comment: This sequence change replaces proline, which is neutral and non-polar, with threonine, which is neutral and polar, at codon 124 of the CHRNA2 protein (p.Pro124Thr). This variant is present in population databases (rs374195332, gnomAD 0.007%). This variant has not been reported in the literature in individuals affected with CHRNA2-related conditions. ClinVar contains an entry for this variant (Variation ID: 2959016). Invitae Evidence Modeling of protein sequence and biophysical properties (such as structural, functional, and spatial information, amino acid conservation, physicochemical variation, residue mobility, and thermodynamic stability) indicates that this missense variant is expected to disrupt CHRNA2 protein function with a positive predictive value of 80%. In summary, the available evidence is currently insufficient to determine the role of this variant in disease. Therefore, it has been classified as a Variant of Uncertain Significance.